The following is an entry in ClinVar:

NM_000222.3(KIT):c.1733A>G (p.Tyr578Cys)

Gene: KIT (KIT proto-oncogene, receptor tyrosine kinase; plus strand). Cytogenetic location: 4q12.
Variant type: single nucleotide variant.
Coding change: c.1733A>G on transcript NM_000222.3 (MANE Select); coding-DNA position 1733, A replaced by G.
Protein change: p.Tyr578Cys; replaces tyrosine 578 with cysteine.
Molecular consequence: missense variant.
Genome position (GRCh38, 1-based): chr4:54,727,501, A>G. VCF-style: chr4-54727501-A-G. GRCh37 (hg19) VCF-style: chr4-55593667-A-G.
Other names: c.1721A>G, p.Tyr574Cys (NM_001093772.2, NM_001385286.1); c.1736A>G, p.Tyr579Cys (NM_001385284.1, NM_001385290.1); c.1733A>G, p.Tyr578Cys (NM_001385285.1); c.1724A>G, p.Tyr575Cys (NM_001385288.1, NM_001385292.1); short protein forms Y579C, Y575C, Y574C, Y578C.
Identifiers: ClinVar variation 2073457 (VCV002073457.6), dbSNP rs2109777106, ClinGen allele CA356907589.
Genomic context (GRCh38, chr4:54,727,501, plus strand): 5'-AGGTTGTTGAGGAGATAAATGGAAACAATTATGTTTACATAGACCCAACACAACTTCCTT[A>G]TGATCACAAATGGGAGTTTCCCAGAAACAGGCTGAGTTTTGGTCAGTATGAAACAGGGGC-3'
Protein context (NP_000213.1, residues 568-588): YVYIDPTQLP[Tyr578Cys]DHKWEFPRNR

ClinVar aggregate classification (germline): Uncertain significance. Review status: criteria provided, multiple submitters, no conflicts (2 of 4 stars). 2 submissions from 2 submitters: Uncertain significance (2). Last evaluated 2025-10-26.

Conditions:
Hereditary cancer-predisposing syndrome. Also called: Hereditary neoplastic syndrome; Neoplastic Syndromes, Hereditary; Hereditary Cancer Syndrome; Tumor predisposition. Identifiers: Orphanet 140162, MedGen C0027672, MeSH D009386, MONDO:0015356.
Gastrointestinal stromal tumor. Also called: Gastrointestinal stroma tumor; Gastrointestinal stromal tumor, somatic. Identifiers: Orphanet 44890, MedGen C0238198, MeSH D046152, MONDO:0011719, OMIM 606764, HP:0100723.

Allele frequency attached by ClinVar (database versions not stated): gnomAD exomes 0.00001.
gnomAD v4.1: 3 of 1,614,132 alleles (0.00019%); highest among the groups gnomAD compares: Non-Finnish European, 0.000085%; no homozygotes.

Submissions (2):

Ambry Genetics
Classification: Uncertain significance for Hereditary cancer-predisposing syndrome. Last evaluated: 2025-10-26. Review status: criteria provided, single submitter. Criteria: Ambry Variant Classification Scheme 2023. Collection method: clinical testing. Allele origin: germline.
Comment: The p.Y578C variant (also known as c.1733A>G), located in coding exon 11 of the KIT gene, results from an A to G substitution at nucleotide position 1733. The tyrosine at codon 578 is replaced by cysteine, an amino acid with highly dissimilar properties. This amino acid position is highly conserved in available vertebrate species. In addition, this alteration is predicted to be deleterious by in silico analysis. Since supporting evidence is limited at this time, the clinical significance of this alteration remains unclear.

Labcorp Genetics (formerly Invitae), Labcorp
Classification: Uncertain significance for Gastrointestinal stromal tumor. Last evaluated: 2025-10-21. Review status: criteria provided, single submitter. Criteria: Invitae Variant Classification Sherloc (09022015). Collection method: clinical testing. Allele origin: germline.
Comment: This sequence change replaces tyrosine, which is neutral and polar, with cysteine, which is neutral and slightly polar, at codon 578 of the KIT protein (p.Tyr578Cys). This variant is not present in population databases (gnomAD no frequency). This missense change has been observed in individual(s) with gastrointestinal stromal tumor samples (PMID: 23567324, 25886408). ClinVar contains an entry for this variant (Variation ID: 2073457). An algorithm developed to predict the effect of missense changes on protein structure and function (PolyPhen-2) suggests that this variant is likely to be disruptive. Experimental studies are conflicting or provide insufficient evidence to determine the effect of this variant on KIT function (PMID: 23567324). In summary, the available evidence is currently insufficient to determine the role of this variant in disease. Therefore, it has been classified as a Variant of Uncertain Significance.

Literature cited by the submitters: PubMed 23567324 (cited by Labcorp Genetics (formerly Invitae), Labcorp); PubMed 25886408 (cited by Labcorp Genetics (formerly Invitae), Labcorp).